The following is an entry in ClinVar:

ClinVar aggregate classification (germline): Uncertain significance. Review status: criteria provided, multiple submitters, no conflicts (2 of 4 stars). 2 submissions from 2 submitters: Uncertain significance (2). Last evaluated 2025-01-28.

Submissions (2):

Ambry Genetics
Classification: Uncertain significance. Last evaluated: 2025-01-28. Review status: criteria provided, single submitter. Criteria: Ambry Variant Classification Scheme 2023. Collection method: clinical testing. Allele origin: germline.
Comment: The p.N576D variant (also known as c.1726A>G), located in coding exon 13 of the GEN1 gene, results from an A to G substitution at nucleotide position 1726. The asparagine at codon 576 is replaced by aspartic acid, an amino acid with highly similar properties. This amino acid position is conserved. In addition, this alteration is predicted to be tolerated by in silico analysis. Based on the available evidence, the clinical significance of this variant remains unclear.

Labcorp Genetics (formerly Invitae), Labcorp
Classification: Uncertain significance. Last evaluated: 2022-09-07. Review status: criteria provided, single submitter. Criteria: Invitae Variant Classification Sherloc (09022015). Collection method: clinical testing. Allele origin: germline.
Comment: This variant is not present in population databases (gnomAD no frequency). In summary, the available evidence is currently insufficient to determine the role of this variant in disease. Therefore, it has been classified as a Variant of Uncertain Significance. Algorithms developed to predict the effect of missense changes on protein structure and function output the following: SIFT: "Tolerated"; PolyPhen-2: "Benign"; Align-GVGD: "Class C0". The aspartic acid amino acid residue is found in multiple mammalian species, which suggests that this missense change does not adversely affect protein function. This variant has not been reported in the literature in individuals affected with GEN1-related conditions. This sequence change replaces asparagine, which is neutral and polar, with aspartic acid, which is acidic and polar, at codon 576 of the GEN1 protein (p.Asn576Asp).

NM_001130009.3(GEN1):c.1726A>G (p.Asn576Asp)

Gene: GEN1 (GEN1 structure-specific endonuclease; plus strand). Cytogenetic location: 2p24.2.
Variant type: single nucleotide variant.
Coding change: c.1726A>G on transcript NM_001130009.3 (MANE Select); coding-DNA position 1726, A replaced by G.
Protein change: p.Asn576Asp; replaces asparagine 576 with aspartic acid.
Molecular consequence: missense variant.
Genome position (GRCh38, 1-based): chr2:17,780,938, A>G. VCF-style: chr2-17780938-A-G. GRCh37 (hg19) VCF-style: chr2-17962205-A-G.
Other names: c.1726A>G (NM_001130009.1); c.1726A>G, p.Asn576Asp (NM_182625.5); short protein forms N576D.
Identifiers: ClinVar variation 1946651 (VCV001946651.6), dbSNP rs2545627827, ClinGen allele CA345926488.